The following is an entry in ClinVar:

NM_025184.4(EFHC2):c.725T>C (p.Met242Thr)

Gene: EFHC2 (EF-hand domain containing 2; minus strand). Cytogenetic location: Xp11.3.
Variant type: single nucleotide variant.
Coding change: c.725T>C on transcript NM_025184.4 (MANE Select); coding-DNA position 725, T replaced by C.
Protein change: p.Met242Thr; replaces methionine 242 with threonine.
Molecular consequence: missense variant.
Genome position (GRCh38, 1-based): chrX:44,250,327, A>G on the plus strand (T>C on the coding strand, the complement: EFHC2 is on the minus strand). VCF-style: chrX-44250327-A-G. GRCh37 (hg19) VCF-style: chrX-44109573-A-G.
Other names: short protein forms M242T.
Identifiers: ClinVar variation 2309749 (VCV002309749.3), dbSNP rs752358837, ClinGen allele CA10391725.

ClinVar aggregate classification (germline): Uncertain significance (1 of 4 stars; one submission).

Allele frequency attached by ClinVar (database versions not stated): gnomAD 0.00001; gnomAD exomes below 0.00001; TOPMed 0.00001; ExAC 0.00001.
gnomAD v4.1: 2 of 1,209,515 alleles (0.00017%); highest among the groups gnomAD compares: Non-Finnish European, 0.00022%; no homozygotes.

Submission:

Ambry Genetics
Classification: Uncertain significance. Last evaluated: 2025-11-12. Review status: criteria provided, single submitter. Criteria: Ambry Variant Classification Scheme 2023. Collection method: clinical testing. Allele origin: germline.
Comment: The c.725T>C (p.M242T) alteration is located in exon 5 (coding exon 5) of the EFHC2 gene. This alteration results from a T to C substitution at nucleotide position 725, causing the methionine (M) at amino acid position 242 to be replaced by a threonine (T). Based on data from gnomAD, the C allele has an overall frequency of 0.001% (1/180748) total alleles studied. The highest observed frequency was 0.001% (1/80917) of European (non-Finnish) alleles. Based on insufficient or conflicting evidence, the clinical significance of this alteration remains unclear.